The following is an entry in ClinVar:

NM_000368.5(TSC1):c.3403C>A (p.Leu1135Ile)

Gene: TSC1 (TSC complex subunit 1; minus strand). Cytogenetic location: 9q34.13.
Variant type: single nucleotide variant.
Coding change: c.3403C>A on transcript NM_000368.5 (MANE Select); coding-DNA position 3403, C replaced by A.
Protein change: p.Leu1135Ile; replaces leucine 1135 with isoleucine.
Molecular consequence: missense variant. On other transcripts: non-coding transcript variant (5).
Genome position (GRCh38, 1-based): chr9:132,896,327, G>T on the plus strand (C>A on the coding strand, the complement: TSC1 is on the minus strand). VCF-style: chr9-132896327-G-T. GRCh37 (hg19) VCF-style: chr9-135771714-G-T.
Other names: c.2995C>A, p.Leu999Ile (NM_001406625.1); c.2452C>A, p.Leu818Ile (NM_001406626.1); c.2449C>A, p.Leu817Ile (NM_001406627.1, NM_001406628.1); c.2350C>A, p.Leu784Ile (NM_001406629.1, NM_001406630.1); c.3400C>A, p.Leu1134Ile (NM_001162426.2, NM_001406597.1, NM_001406598.1 and 2 more transcripts); c.3040C>A, p.Leu1014Ile (NM_001406619.1, NM_001362177.2, NM_001406614.1 and 4 more transcripts); c.3250C>A, p.Leu1084Ile (NM_001162427.2, NM_001406610.1); c.3037C>A, p.Leu1013Ile (NM_001406620.1, NM_001406621.1, NM_001406622.1 and 1 more transcripts); and 8 more; short protein forms L1000I, L1013I, L1121I, L1130I, L1134I, L784I, L1014I, L1084I.
Identifiers: ClinVar variation 4844219 (VCV004844219.1).

ClinVar aggregate classification (germline): Uncertain significance (1 of 4 stars; one submission).

Conditions:
Hereditary cancer-predisposing syndrome. Also called: Neoplastic Syndromes, Hereditary; Tumor predisposition; Hereditary Cancer Syndrome; Hereditary neoplastic syndrome. Identifiers: Orphanet 140162, MedGen C0027672, MeSH D009386, MONDO:0015356.

Submission:

Ambry Genetics
Classification: Uncertain significance for Hereditary cancer-predisposing syndrome. Last evaluated: 2026-01-15. Review status: criteria provided, single submitter. Criteria: Ambry Variant Classification Scheme 2023. Collection method: clinical testing. Allele origin: germline.
Comment: The p.L1135I variant (also known as c.3403C>A), located in coding exon 21 of the TSC1 gene, results from a C to A substitution at nucleotide position 3403. The leucine at codon 1135 is replaced by isoleucine, an amino acid with highly similar properties. This amino acid position is conserved. In addition, this alteration is predicted to be tolerated by in silico analysis. Based on the available evidence, the clinical significance of this variant remains unclear.